The following is an entry in ClinVar:

NM_004656.4(BAP1):c.1215G>A (p.Glu405=)

Gene: BAP1 (BRCA1 associated deubiquitinase 1; minus strand). Cytogenetic location: 3p21.1.
Variant type: single nucleotide variant.
Coding change: c.1215G>A on transcript NM_004656.4 (MANE Select); coding-DNA position 1215, G replaced by A.
Protein change: p.Glu405=; no amino-acid change (glutamic acid 405 retained).
Molecular consequence: synonymous variant.
Genome position (GRCh38, 1-based): chr3:52,404,488, C>T on the plus strand (G>A on the coding strand, the complement: BAP1 is on the minus strand). VCF-style: chr3-52404488-C-T. GRCh37 (hg19) VCF-style: chr3-52438504-C-T.
Other names: c.1215G>A (NM_004656.2).
Identifiers: ClinVar variation 759934 (VCV000759934.9), dbSNP rs1578222130, ClinGen allele CA433773947.

ClinVar aggregate classification (germline): Benign/Likely benign. Review status: criteria provided, multiple submitters, no conflicts (2 of 4 stars). 3 submissions from 3 submitters: Benign (1); Likely benign (2). Last evaluated 2025-05-21.

Conditions:
Hereditary cancer-predisposing syndrome. Also called: Tumor predisposition; Neoplastic Syndromes, Hereditary; Hereditary Cancer Syndrome; Hereditary neoplastic syndrome. Identifiers: Orphanet 140162, MedGen C0027672, MeSH D009386, MONDO:0015356.
BAP1-related tumor predisposition syndrome (TPDS1). Also called: Tumor susceptibility linked to germline BAP1 mutations; BAP1 tumor predisposition syndrome; COMMON Syndrome; TUMOR PREDISPOSITION SYNDROME 1. Identifiers: Orphanet 289539, MedGen C3280492, MONDO:0013692, OMIM 614327.

Submissions (3):

Ambry Genetics
Classification: Likely benign for Hereditary cancer-predisposing syndrome. Last evaluated: 2025-05-21. Review status: criteria provided, single submitter. Criteria: Ambry Variant Classification Scheme 2023. Collection method: clinical testing. Allele origin: germline.

Labcorp Genetics (formerly Invitae), Labcorp
Classification: Likely benign for BAP1-related tumor predisposition syndrome. Last evaluated: 2025-02-20. Review status: criteria provided, single submitter. Criteria: Invitae Variant Classification Sherloc (09022015). Collection method: clinical testing. Allele origin: germline.

Myriad Genetics, Inc.
Classification: Benign for BAP1-related tumor predisposition syndrome. Last evaluated: 2024-07-15. Review status: criteria provided, single submitter. Criteria: Myriad Autosomal Dominant, Autosomal Recessive and X-Linked Classification Criteria (2023). Collection method: clinical testing. Allele origin: unknown.
Comment: This variant is considered benign. This variant is a silent/synonymous amino acid change and it is not expected to impact splicing.